The following is an entry in ClinVar:

ClinVar aggregate classification (germline): Conflicting classifications of pathogenicity. Review status: criteria provided, conflicting classifications (1 of 4 stars). 6 submissions from 6 submitters: Pathogenic (1); Likely pathogenic (2); Uncertain significance (3). Last evaluated 2026-06-05.

Conditions:
MYH7-related disorder. Also called: MYH7-related condition; MYH7-related disease; MYH7-related disorders.
Cardiomyopathy (CMYO). Also called: Cardiomyopathies. Identifiers: Orphanet 167848, MedGen C0878544, MONDO:0004994, HP:0001638. Inheritance: Various modes of inheritance.
Hypertrophic cardiomyopathy. Also called: HYPERTROPHIC MYOCARDIOPATHY. Identifiers: Orphanet 217569, MedGen C0007194, MeSH D002312, MONDO:0005045, HP:0001639.

Submissions (6):

GeneDx
Classification: Pathogenic. Last evaluated: 2026-06-05. Review status: criteria provided, single submitter. Criteria: GeneDx Variant Classification Process June 2021. Collection method: clinical testing. Allele origin: germline.
Comment: Not observed at significant frequency in large population cohorts (gnomAD); In silico analysis supports that this missense variant has a deleterious effect on protein structure/function; This variant is associated with the following publications: (PMID: 35982159, 34976774, 33500567, 34935411, 35288587, Suzuki2024[preprint], 27532257, 29300372)

CeGaT Center for Human Genetics Tuebingen
Classification: Likely pathogenic. Last evaluated: 2026-05-01. Review status: criteria provided, single submitter. Criteria: CeGaT Center For Human Genetics Tuebingen Variant Classification Criteria Version 2. Collection method: clinical testing. Allele origin: germline. Affected: yes. Observed: 2 variant alleles.
Comment: MYH7: PM1, PM2, PM5, PP3, PS2:Supporting, PS4:Supporting

PreventionGenetics, part of Exact Sciences
Classification: Likely pathogenic for MYH7-related condition. Last evaluated: 2025-02-19. Review status: criteria provided, single submitter. Criteria: ACMG Guidelines, 2015. Collection method: clinical testing. Allele origin: germline.
Comment: The MYH7 c.1180G>A variant is predicted to result in the amino acid substitution p.Asp394Asn. This variant has been reported in multiple unrelated individuals with left ventricular noncompaction cardiomyopathy or dilated cardiomyopathy, including at least one de novo case (Table S2, Mazzarotto et al. 2021. PubMed ID: 33500567; Table S2, Khan et al. 2021. PubMed ID: 34935411; Asano et al. 2021. PubMed ID: 34976774; Table S1, Lesurf et al. 2022. PubMed ID: 35288587; Bukova et al. 2022. doi:10.1055/s-0042-1743003). This variant has not been reported in a large population database (gnomAD), indicating this variant is rare. An alternate nucleotide change affecting the same amino acid (p.Asp394Glu) has been reported in individuals with hypertrophic cardiomyopathy (Kassem et al. 2013. PubMed ID: 23233322; Table S8, McGurk et al. 2023. PubMed ID: 37652022). Taken together, the c.1180G>A (p.Asp394Asn) variant is interpreted as likely pathogenic.

Labcorp Genetics (formerly Invitae), Labcorp
Classification: Uncertain significance for Hypertrophic cardiomyopathy. Last evaluated: 2022-06-27. Review status: criteria provided, single submitter. Criteria: Invitae Variant Classification Sherloc (09022015). Collection method: clinical testing. Allele origin: germline.
Comment: In summary, the available evidence is currently insufficient to determine the role of this variant in disease. Therefore, it has been classified as a Variant of Uncertain Significance. This variant disrupts the p.Asp394 amino acid residue in MYH7. Other variant(s) that disrupt this residue have been determined to be pathogenic (PMID: 23233322, 27532257). This suggests that this residue is clinically significant, and that variants that disrupt this residue are likely to be disease-causing. Algorithms developed to predict the effect of missense changes on protein structure and function are either unavailable or do not agree on the potential impact of this missense change (SIFT: "Deleterious"; PolyPhen-2: "Probably Damaging"; Align-GVGD: "Class C0"). ClinVar contains an entry for this variant (Variation ID: 42828). This missense change has been observed in individual(s) with MYH7-related conditions (PMID: 33500567). This variant is not present in population databases (gnomAD no frequency). This sequence change replaces aspartic acid, which is acidic and polar, with asparagine, which is neutral and polar, at codon 394 of the MYH7 protein (p.Asp394Asn). This variant is found within a region of MYH7 between codons 181 and 937 that contains the majority of the myosin head domain. Missense variants in this region have been shown to be significantly overrepresented in individuals with hypertrophic cardiomyopathy (PMID: 27532257).

CHEO Genetics Diagnostic Laboratory, Children's Hospital of Eastern Ontario
Classification: Uncertain significance for Cardiomyopathy. Last evaluated: 2019-02-19. Review status: criteria provided, single submitter. Criteria: ACMG Guidelines, 2015. Collection method: clinical testing. Allele origin: germline.

Laboratory for Molecular Medicine, Mass General Brigham Personalized Medicine
Classification: Uncertain significance. Last evaluated: 2014-08-13. Review status: criteria provided, single submitter. Criteria: LMM Criteria. Collection method: clinical testing. Allele origin: germline. Observed: 2 variant alleles.
Comment: This variant was absent from large population studies. Computational pr ediction tools and conservation analysis suggest that this variant may impact th e protein, though this information is not predictive enough to determine pathoge nicity. In summary, the clinical significance of the Asp394Asn variant is uncert ain.

Literature cited by the submitters: PubMed 23233322 (cited by Labcorp Genetics (formerly Invitae), Labcorp); PubMed 27532257 (cited by Labcorp Genetics (formerly Invitae), Labcorp); PubMed 33500567 (cited by Labcorp Genetics (formerly Invitae), Labcorp).

NM_000257.4(MYH7):c.1180G>A (p.Asp394Asn)

Gene: MYH7 (myosin heavy chain 7; minus strand). Cytogenetic location: 14q11.2.
Variant type: single nucleotide variant.
Coding change: c.1180G>A on transcript NM_000257.4 (MANE Select); coding-DNA position 1180, G replaced by A.
Protein change: p.Asp394Asn; replaces aspartic acid 394 with asparagine.
Molecular consequence: missense variant.
Genome position (GRCh38, 1-based): chr14:23,429,306, C>T on the plus strand (G>A on the coding strand, the complement: MYH7 is on the minus strand). VCF-style: chr14-23429306-C-T. GRCh37 (hg19) VCF-style: chr14-23898515-C-T.
Other names: short protein forms D394N.
Identifiers: ClinVar variation 42828 (VCV000042828.45), dbSNP rs397516093, ClinGen allele CA010330.